The following is an entry in ClinVar:

ClinVar aggregate classification (germline): Uncertain significance (1 of 4 stars; one submission).

Conditions:
Inborn genetic diseases. Identifiers: MedGen C0950123, MeSH D030342.

Submission:

Ambry Genetics
Classification: Uncertain significance for Inborn genetic diseases. Last evaluated: 2025-08-23. Review status: criteria provided, single submitter. Criteria: Ambry Variant Classification Scheme 2023. Collection method: clinical testing. Allele origin: germline.
Comment: The p.Q157P variant (also known as c.470A>C), located in coding exon 4 of the USB1 gene, results from an A to C substitution at nucleotide position 470. The glutamine at codon 157 is replaced by proline, an amino acid with similar properties. This amino acid position is conserved. In addition, this alteration is predicted to be tolerated by in silico analysis. Based on the available evidence, the clinical significance of this variant remains unclear.

NM_024598.4(USB1):c.470A>C (p.Gln157Pro)

Gene: USB1 (U6 snRNA biogenesis phosphodiesterase 1; plus strand). Cytogenetic location: 16q21.
Variant type: single nucleotide variant.
Coding change: c.470A>C on transcript NM_024598.4 (MANE Select); coding-DNA position 470, A replaced by C.
Protein change: p.Gln157Pro; replaces glutamine 157 with proline.
Molecular consequence: missense variant. On other transcripts: intron variant (1).
Genome position (GRCh38, 1-based): chr16:58,014,293, A>C. VCF-style: chr16-58014293-A-C. GRCh37 (hg19) VCF-style: chr16-58048197-A-C.
Other names: c.317A>C, p.Gln106Pro (NM_001330568.2); c.450-3041A>C (NM_001195302.2); short protein forms Q106P, Q157P.
Identifiers: ClinVar variation 4196819 (VCV004196819.1).
Genomic context (GRCh38, chr16:58,014,293, plus strand): 5'-TCTTACGATTTTTCCTGAAATATGGTCTTCTAAATTTCAGATTCTTCTTTACTGCCAACC[A>C]GGTAAAGATTTACACCAATCAAGAGAAAACCAGGTGGGTCCTCCCAACCCCCAATCACCA-3'
Protein context (NP_078874.2, residues 147-167): SFHRFFFTAN[Gln157Pro]VKIYTNQEKT